The following is an entry in ClinVar:

ClinVar aggregate classification (germline): Benign/Likely benign. Review status: criteria provided, multiple submitters, no conflicts (2 of 4 stars). 4 submissions from 4 submitters: Benign (1); Likely benign (3). Last evaluated 2026-06-02.

Conditions:
Hereditary cancer-predisposing syndrome. Also called: Tumor predisposition; Hereditary neoplastic syndrome; Hereditary Cancer Syndrome; Neoplastic Syndromes, Hereditary. Identifiers: Orphanet 140162, MedGen C0027672, MeSH D009386, MONDO:0015356.
Gastrointestinal stromal tumor. Also called: Gastrointestinal stromal tumor, somatic; Gastrointestinal stroma tumor. Identifiers: Orphanet 44890, MedGen C0238198, MeSH D046152, MONDO:0011719, OMIM 606764, HP:0100723.

Allele frequency attached by ClinVar (database versions not stated): TOPMed 0.00002; gnomAD 0.00005; ExAC 0.00006; ESP Exome Variant Server 0.00008.
gnomAD v4.1: 86 of 1,614,216 alleles (0.0053%); highest among the groups gnomAD compares: East Asian, 0.0089%; 1 homozygote.

Submissions (4):

Myriad Genetics, Inc.
Classification: Benign for Gastrointestinal stromal tumor. Last evaluated: 2026-06-02. Review status: criteria provided, single submitter. Criteria: Myriad Autosomal Dominant, Autosomal Recessive and X-Linked Classification Criteria (2023). Collection method: clinical testing. Allele origin: unknown.
Comment: This variant is considered benign. This variant is a silent/synonymous amino acid change and it is not expected to impact splicing.

Labcorp Genetics (formerly Invitae), Labcorp
Classification: Likely benign for Gastrointestinal stromal tumor. Last evaluated: 2026-01-25. Review status: criteria provided, single submitter. Criteria: Invitae Variant Classification Sherloc (09022015). Collection method: clinical testing. Allele origin: germline.

CeGaT Center for Human Genetics Tuebingen
Classification: Likely benign. Last evaluated: 2025-08-01. Review status: criteria provided, single submitter. Criteria: CeGaT Center For Human Genetics Tuebingen Variant Classification Criteria Version 2. Collection method: clinical testing. Allele origin: germline. Affected: yes. Observed: 2 variant alleles.
Comment: KIT: BP4, BP7

Ambry Genetics
Classification: Likely benign for Hereditary cancer-predisposing syndrome. Last evaluated: 2019-06-04. Review status: criteria provided, single submitter. Criteria: Ambry Variant Classification Scheme 2023. Collection method: clinical testing. Allele origin: germline.

NM_000222.3(KIT):c.288G>A (p.Thr96=)

Gene: KIT (KIT proto-oncogene, receptor tyrosine kinase; plus strand). Cytogenetic location: 4q12.
Variant type: single nucleotide variant.
Coding change: c.288G>A on transcript NM_000222.3 (MANE Select); coding-DNA position 288, G replaced by A.
Protein change: p.Thr96=; no amino-acid change (threonine 96 retained).
Molecular consequence: synonymous variant.
Genome position (GRCh38, 1-based): chr4:54,695,732, G>A. VCF-style: chr4-54695732-G-A. GRCh37 (hg19) VCF-style: chr4-55561898-G-A.
Other names: c.288G>A, p.Thr96= (NM_001093772.2, NM_001385284.1, NM_001385285.1 and 4 more transcripts).
Identifiers: ClinVar variation 415801 (VCV000415801.39), dbSNP rs150026676, ClinGen allele CA2923197.